The following is an entry in ClinVar:

NM_003073.5(SMARCB1):c.473G>T (p.Arg158Leu)

Gene: SMARCB1 (SWI/SNF related BAF chromatin remodeling complex subunit B1; plus strand). Cytogenetic location: 22q11.23.
Variant type: single nucleotide variant.
Coding change: c.473G>T on transcript NM_003073.5 (MANE Select); coding-DNA position 473, G replaced by T.
Protein change: p.Arg158Leu; replaces arginine 158 with leucine.
Molecular consequence: missense variant.
Genome position (GRCh38, 1-based): chr22:23,801,054, G>T. VCF-style: chr22-23801054-G-T. GRCh37 (hg19) VCF-style: chr22-24143241-G-T.
Other names: c.446G>T, p.Arg149Leu (NM_001007468.3, NM_001317946.2); c.473G>T, p.Arg158Leu (NM_001362877.2); short protein forms R149L, R158L.
Identifiers: ClinVar variation 945406 (VCV000945406.8), dbSNP rs1232172026, ClinGen allele CA410934533.

ClinVar aggregate classification (germline): Uncertain significance. Review status: criteria provided, multiple submitters, no conflicts (2 of 4 stars). 2 submissions from 2 submitters: Uncertain significance (2). Last evaluated 2026-02-27.

Conditions:
Hereditary cancer-predisposing syndrome. Also called: Tumor predisposition; Hereditary neoplastic syndrome; Hereditary Cancer Syndrome; Neoplastic Syndromes, Hereditary. Identifiers: Orphanet 140162, MedGen C0027672, MeSH D009386, MONDO:0015356.

Submissions (2):

Ambry Genetics
Classification: Uncertain significance for Hereditary cancer-predisposing syndrome. Last evaluated: 2026-02-27. Review status: criteria provided, single submitter. Criteria: Ambry Variant Classification Scheme 2023. Collection method: clinical testing. Allele origin: germline.
Comment: The p.R158L variant (also known as c.473G>T), located in coding exon 4 of the SMARCB1 gene, results from a G to T substitution at nucleotide position 473. The arginine at codon 158 is replaced by leucine, an amino acid with dissimilar properties. This amino acid position is highly conserved in available vertebrate species. In addition, this alteration is predicted to be deleterious by in silico analysis. Based on the available evidence, the clinical significance of this variant remains unclear.

Labcorp Genetics (formerly Invitae), Labcorp
Classification: Uncertain significance. Last evaluated: 2021-09-01. Review status: criteria provided, single submitter. Criteria: Invitae Variant Classification Sherloc (09022015). Collection method: clinical testing. Allele origin: germline.
Comment: This sequence change replaces arginine with leucine at codon 158 of the SMARCB1 protein (p.Arg158Leu). The arginine residue is highly conserved and there is a moderate physicochemical difference between arginine and leucine. This variant is not present in population databases (ExAC no frequency). This variant has not been reported in the literature in individuals affected with SMARCB1-related conditions. Algorithms developed to predict the effect of missense changes on protein structure and function are either unavailable or do not agree on the potential impact of this missense change (SIFT: "Deleterious"; PolyPhen-2: "Benign"; Align-GVGD: "Class C15"). In summary, the available evidence is currently insufficient to determine the role of this variant in disease. Therefore, it has been classified as a Variant of Uncertain Significance.